The following is an entry in ClinVar:

ClinVar aggregate classification (germline): Uncertain significance (1 of 4 stars; one submission).

Conditions:
Charcot-Marie-Tooth disease axonal type 2O. Also called: Charcot-Marie-Tooth disease, axonal, type 20; CHARCOT-MARIE-TOOTH NEUROPATHY, AXONAL, TYPE 2O; CHARCOT-MARIE-TOOTH DISEASE, AXONAL, AUTOSOMAL DOMINANT, TYPE 2O; Charcot-Marie-Tooth Neuropathy Type 2O. Identifiers: Orphanet 284232, MedGen C3280220, MONDO:0013644, OMIM 614228.

gnomAD v4.1: 2 of 1,613,710 alleles (0.00012%); highest among the groups gnomAD compares: Non-Finnish European, 0.00017%; no homozygotes.

Submission:

Labcorp Genetics (formerly Invitae), Labcorp
Classification: Uncertain significance for Charcot-Marie-Tooth disease axonal type 2O. Last evaluated: 2024-03-12. Review status: criteria provided, single submitter. Criteria: Invitae Variant Classification Sherloc (09022015). Collection method: clinical testing. Allele origin: germline.
Comment: This sequence change replaces arginine, which is basic and polar, with serine, which is neutral and polar, at codon 2467 of the DYNC1H1 protein (p.Arg2467Ser). This variant is not present in population databases (gnomAD no frequency). This variant has not been reported in the literature in individuals affected with DYNC1H1-related conditions. Advanced modeling of protein sequence and biophysical properties (such as structural, functional, and spatial information, amino acid conservation, physicochemical variation, residue mobility, and thermodynamic stability) has been performed at Invitae for this missense variant, however the output from this modeling did not meet the statistical confidence thresholds required to predict the impact of this variant on DYNC1H1 protein function. In summary, the available evidence is currently insufficient to determine the role of this variant in disease. Therefore, it has been classified as a Variant of Uncertain Significance.

NM_001376.5(DYNC1H1):c.7399C>A (p.Arg2467Ser)

Gene: DYNC1H1 (dynein cytoplasmic 1 heavy chain 1; plus strand). Cytogenetic location: 14q32.31.
Variant type: single nucleotide variant.
Coding change: c.7399C>A on transcript NM_001376.5 (MANE Select); coding-DNA position 7399, C replaced by A.
Protein change: p.Arg2467Ser; replaces arginine 2467 with serine.
Molecular consequence: missense variant.
Genome position (GRCh38, 1-based): chr14:102,016,012, C>A. VCF-style: chr14-102016012-C-A. GRCh37 (hg19) VCF-style: chr14-102482349-C-A.
Other names: short protein forms R2467S.
Identifiers: ClinVar variation 3636158 (VCV003636158.2).